The following is an entry in ClinVar:

ClinVar aggregate classification (germline): Benign/Likely benign. Review status: criteria provided, multiple submitters, no conflicts (2 of 4 stars). 8 submissions from 8 submitters: Benign (4); Likely benign (4). Last evaluated 2026-08-01.

Conditions:
Hereditary hemorrhagic telangiectasia (HHT). Also called: Osler hemorrhagic telangiectasia syndrome; ORW DISEASE; Osler Weber Rendu syndrome; OSLER-RENDU-WEBER DISEASE. Identifiers: Orphanet 774, MedGen C0039445, MONDO:0019180. Disease mechanism: loss of function.
Cardiovascular phenotype. Identifiers: MedGen CN230736.
Telangiectasia, hereditary hemorrhagic, type 1 (HHT1). Also called: Osler Weber Rendu syndrome type 1; ENG-Related Hereditary Hemorrhagic Telangiectasia. Identifiers: Orphanet 774, MedGen C4551861, MONDO:0008535, OMIM 187300. Disease mechanism: loss of function.

Allele frequency attached by ClinVar (database versions not stated): gnomAD exomes 0.00065 and 0.00112; ExAC 0.00124; gnomAD 0.00291 and 0.00311; TOPMed 0.00319; ESP Exome Variant Server 0.00361; 1000 Genomes Project 0.00519; 1000 Genomes Project 30x 0.00640.
gnomAD v4.1: 1,451 of 1,613,796 alleles (0.09%); highest among the groups gnomAD compares: African/African-American, 0.85%; 6 homozygotes.

Submissions (8):

CeGaT Center for Human Genetics Tuebingen
Classification: Likely benign. Last evaluated: 2026-08-01. Review status: criteria provided, single submitter. Criteria: CeGaT Center For Human Genetics Tuebingen Variant Classification Criteria Version 2. Collection method: clinical testing. Allele origin: germline. Affected: yes. Observed: 12 variant alleles.
Comment: ENG: BS1

Labcorp Genetics (formerly Invitae), Labcorp
Classification: Benign for Hereditary hemorrhagic telangiectasia. Last evaluated: 2026-02-04. Review status: criteria provided, single submitter. Criteria: Invitae Variant Classification Sherloc (09022015). Collection method: clinical testing. Allele origin: germline.

Mayo Clinic Laboratories, Mayo Clinic
Classification: Likely benign. Last evaluated: 2025-07-08. Review status: criteria provided, single submitter. Criteria: ACMG Guidelines, 2015. Collection method: clinical testing. Allele origin: germline. Observed: 7 variant alleles.
Comment: BS1

Blueprint Genetics
Classification: Likely benign. Last evaluated: 2024-11-05. Review status: criteria provided, single submitter. Criteria: ACMG Guidelines, 2015. Collection method: clinical testing. Allele origin: germline.

ARUP Laboratories, Molecular Genetics and Genomics, ARUP Laboratories
Classification: Benign for Telangiectasia, hereditary hemorrhagic, type 1. Last evaluated: 2019-04-13. Review status: criteria provided, single submitter. Criteria: ARUP Molecular Germline Variant Investigation Process. Collection method: clinical testing. Allele origin: germline.

GeneDx
Classification: Benign. Last evaluated: 2018-12-11. Review status: criteria provided, single submitter. Criteria: GeneDx Variant Classification Process June 2021. Collection method: clinical testing. Allele origin: germline. Affected: yes.

Ambry Genetics
Classification: Benign for Cardiovascular phenotype. Last evaluated: 2016-06-16. Review status: criteria provided, single submitter. Criteria: Ambry Variant Classification Scheme 2023. Collection method: clinical testing. Allele origin: germline.

PreventionGenetics, part of Exact Sciences
Classification: Likely benign. Review status: criteria provided, single submitter. Criteria: ACMG Guidelines, 2015. Collection method: clinical testing. Allele origin: germline.

NM_001114753.3(ENG):c.1452C>T (p.Ser484=)

Genes: ENG (endoglin; minus strand), LOC102723566 (uncharacterized LOC102723566; plus strand). Cytogenetic location: 9q34.11.
Variant type: single nucleotide variant.
Coding change: c.1452C>T on transcript NM_001114753.3 (MANE Select); coding-DNA position 1452, C replaced by T.
Protein change: p.Ser484=; no amino-acid change (serine 484 retained).
Molecular consequence: synonymous variant. On other transcripts: non-coding transcript variant (1).
Genome position (GRCh38, 1-based): chr9:127,818,354, G>A on the plus strand (C>T on the coding strand, the complement: ENG is on the minus strand). VCF-style: chr9-127818354-G-A. GRCh37 (hg19) VCF-style: chr9-130580633-G-A.
Other names: p.Ser484=; c.1452C>T, p.Ser484= (NM_000118.4); c.906C>T, p.Ser302= (NM_001278138.2); c.1452C>T (NM_000118.2).
Identifiers: ClinVar variation 255142 (VCV000255142.54), dbSNP rs115450389, ClinGen allele CA5252755.